The following is an entry in ClinVar:

ClinVar aggregate classification (germline): Pathogenic (1 of 4 stars; one submission).

Submission:

Labcorp Genetics (formerly Invitae), Labcorp
Classification: Pathogenic. Last evaluated: 2025-03-25. Review status: criteria provided, single submitter. Criteria: Invitae Variant Classification Sherloc (09022015). Collection method: clinical testing. Allele origin: germline.
Comment: This sequence change creates a premature translational stop signal (p.Glu379*) in the CCDC88A gene. It is expected to result in an absent or disrupted protein product. Loss-of-function variants in CCDC88A are known to be pathogenic (PMID: 26917597, 30392057). This variant is not present in population databases (gnomAD no frequency). This variant has not been reported in the literature in individuals affected with CCDC88A-related conditions. For these reasons, this variant has been classified as Pathogenic.

Literature cited by the submitters: PubMed 26917597; PubMed 30392057.

NM_001365480.1(CCDC88A):c.1135G>T (p.Glu379Ter)

Gene: CCDC88A (coiled-coil and HOOK domain protein 88A; minus strand). Cytogenetic location: 2p16.1.
Variant type: single nucleotide variant.
Coding change: c.1135G>T on transcript NM_001365480.1 (MANE Select); coding-DNA position 1135, G replaced by T.
Protein change: p.Glu379Ter; replaces glutamic acid 379 with a stop codon.
Molecular consequence: nonsense.
Genome position (GRCh38, 1-based): chr2:55,344,421, C>A on the plus strand (G>T on the coding strand, the complement: CCDC88A is on the minus strand). VCF-style: chr2-55344421-C-A. GRCh37 (hg19) VCF-style: chr2-55571557-C-A.
Other names: c.1135G>T, p.Glu379Ter (NM_001135597.2, NM_001254943.2, NM_018084.5); short protein forms E379*.
Identifiers: ClinVar variation 3726541 (VCV003726541.2).